The following is an entry in ClinVar:

NM_000059.4(BRCA2):c.8569del (p.Ala2857fs)

Gene: BRCA2 (BRCA2 DNA repair associated; plus strand). Cytogenetic location: 13q13.1.
Variant type: Deletion.
Coding change: c.8569del on transcript NM_000059.4 (MANE Select); coding-DNA position 8569, one base deleted (G; older notation c.8569delG).
Protein change: p.Ala2857fs; shifts the reading frame from alanine 2857.
Molecular consequence: frameshift variant.
Genome position (GRCh38, 1-based): chr13:32,371,037, G deleted; the last of 2 consecutive G bases (chr13:32,371,036-32,371,037); deleting either gives the same sequence. VCF-style (leftmost placement, unchanged base first): chr13-32371035-AG-A. GRCh37 (hg19) VCF-style: chr13-32945172-AG-A.
Other names: short protein forms A2857fs.
Identifiers: ClinVar variation 1451257 (VCV001451257.6), dbSNP rs2137600531, ClinGen allele CA2573149215.

ClinVar aggregate classification (germline): Pathogenic (1 of 4 stars; one submission).

Conditions:
Hereditary breast ovarian cancer syndrome. Also called: BRCA1- and BRCA2-Associated Hereditary Breast and Ovarian Cancer; Hereditary breast and ovarian cancer; Hereditary breast and ovarian cancer syndrome (HBOC); Hereditary breast and/or ovarian cancer syndrome; Hereditary breast and ovarian cancer syndrome; Breast and ovarian cancer. Identifiers: Orphanet 145, MedGen C0677776, MeSH D061325, MONDO:0003582. Disease mechanism: loss of function.

Submission:

Labcorp Genetics (formerly Invitae), Labcorp
Classification: Pathogenic for Hereditary breast ovarian cancer syndrome. Last evaluated: 2021-07-06. Review status: criteria provided, single submitter. Criteria: Invitae Variant Classification Sherloc (09022015). Collection method: clinical testing. Allele origin: germline.
Comment: This sequence change creates a premature translational stop signal (p.Ala2857Profs*6) in the BRCA2 gene. It is expected to result in an absent or disrupted protein product. Loss-of-function variants in BRCA2 are known to be pathogenic (PMID: 20104584). This variant is not present in population databases (ExAC no frequency). This variant has not been reported in the literature in individuals affected with BRCA2-related conditions. For these reasons, this variant has been classified as Pathogenic.

Literature cited by the submitters: PubMed 20104584.